The following is an entry in ClinVar:

NM_001178015.2(SLC4A10):c.2710C>T (p.Leu904Phe)

Gene: SLC4A10 (solute carrier family 4 member 10; plus strand). Cytogenetic location: 2q24.2.
Variant type: single nucleotide variant.
Coding change: c.2710C>T on transcript NM_001178015.2 (MANE Select); coding-DNA position 2710, C replaced by T.
Protein change: p.Leu904Phe; replaces leucine 904 with phenylalanine.
Molecular consequence: missense variant.
Genome position (GRCh38, 1-based): chr2:161,957,157, C>T. VCF-style: chr2-161957157-C-T. GRCh37 (hg19) VCF-style: chr2-162813667-C-T.
Other names: c.2653C>T, p.Leu885Phe (NM_001178016.2, NM_001354445.2); c.2710C>T, p.Leu904Phe (NM_001354440.2); c.2743C>T, p.Leu915Phe (NM_001354441.2, NM_001354442.2); c.2656C>T, p.Leu886Phe (NM_001354443.2, NM_001354447.2); c.2707C>T, p.Leu903Phe (NM_001354444.2); c.2620C>T, p.Leu874Phe (NM_001354446.2, NM_001354450.2, NM_022058.4); c.2650C>T, p.Leu884Phe (NM_001354448.2); c.2617C>T, p.Leu873Phe (NM_001354449.2, NM_001354451.2); and 3 more; short protein forms L681F, L825F, L873F, L874F, L884F, L885F, L886F, L903F.
Identifiers: ClinVar variation 2576740 (VCV002576740.1), dbSNP rs2468112175, ClinGen allele CA348983034.

ClinVar aggregate classification (germline): Uncertain significance (1 of 4 stars; one submission).

Submission:

GeneDx
Classification: Uncertain significance. Last evaluated: 2023-02-20. Review status: criteria provided, single submitter. Criteria: GeneDx Variant Classification Process June 2021. Collection method: clinical testing. Allele origin: germline. Affected: yes.
Comment: Not observed at significant frequency in large population cohorts (gnomAD); In silico analysis supports that this missense variant has a deleterious effect on protein structure/function; Has not been previously published as pathogenic or benign to our knowledge; Variants in candidate genes are classified as variants of uncertain significance in accordance with ACMG guidelines (Richards et al., 2015)